The following is an entry in ClinVar:

ClinVar aggregate classification (germline): Uncertain significance. Review status: criteria provided, multiple submitters, no conflicts (2 of 4 stars). 2 submissions from 2 submitters: Uncertain significance (2). Last evaluated 2024-12-04.

Allele frequency attached by ClinVar (database versions not stated): TOPMed 0.00002.
gnomAD v4.1: 2 of 1,603,054 alleles (0.00012%); highest among the groups gnomAD compares: Non-Finnish European, 0.00017%; no homozygotes.

Submissions (2):

Labcorp Genetics (formerly Invitae), Labcorp
Classification: Uncertain significance. Last evaluated: 2024-12-04. Review status: criteria provided, single submitter. Criteria: Invitae Variant Classification Sherloc (09022015). Collection method: clinical testing. Allele origin: germline.
Comment: This sequence change replaces lysine, which is basic and polar, with methionine, which is neutral and non-polar, at codon 55 of the RIMS1 protein (p.Lys55Met). This variant is not present in population databases (gnomAD no frequency). This variant has not been reported in the literature in individuals affected with RIMS1-related conditions. ClinVar contains an entry for this variant (Variation ID: 866276). An algorithm developed to predict the effect of missense changes on protein structure and function (PolyPhen-2) suggests that this variant is likely to be disruptive. In summary, the available evidence is currently insufficient to determine the role of this variant in disease. Therefore, it has been classified as a Variant of Uncertain Significance.

Blueprint Genetics
Classification: Uncertain significance. Last evaluated: 2024-08-08. Review status: criteria provided, single submitter. Criteria: ACMG Guidelines, 2015. Collection method: clinical testing. Allele origin: germline.

NM_014989.7(RIMS1):c.164A>T (p.Lys55Met)

Gene: RIMS1 (regulating synaptic membrane exocytosis 1; plus strand). Cytogenetic location: 6q13.
Variant type: single nucleotide variant.
Coding change: c.164A>T on transcript NM_014989.7 (MANE Select); coding-DNA position 164, A replaced by T.
Protein change: p.Lys55Met; replaces lysine 55 with methionine.
Molecular consequence: missense variant.
Genome position (GRCh38, 1-based): chr6:71,887,187, A>T. VCF-style: chr6-71887187-A-T. GRCh37 (hg19) VCF-style: chr6-72596890-A-T.
Other names: c.164A>T, p.Lys55Met (NM_001350411.1, NM_001350412.1, NM_001350413.1); short protein forms K55M.
Identifiers: ClinVar variation 866276 (VCV000866276.10), dbSNP rs777506314, ClinGen allele CA364818002.